The following is an entry in ClinVar:

ClinVar aggregate classification (germline): Pathogenic. Review status: criteria provided, multiple submitters, no conflicts (2 of 4 stars). 6 submissions from 6 submitters: Pathogenic (5). 1 of the submissions does not count toward it. Last evaluated 2026-01-26.

Conditions:
USH2A-related disorder. Also called: USH2A-related disorders; USH2A-related condition. Identifiers: MedGen CN239332.
Usher syndrome type 2A. Also called: RETINAL DISEASE IN USHER SYNDROME TYPE IIA, MODIFIER OF; USHER SYNDROME, TYPE IIA. Identifiers: Orphanet 231178, Orphanet 886, MedGen C1848634, MONDO:0010169, OMIM 276901.

Submissions (6):

Medical and Scientific Branch, Hong Kong Genome Institute
Classification: Pathogenic for Usher syndrome type 2A. Last evaluated: 2026-01-26. Review status: criteria provided, single submitter. Criteria: ACMG Guidelines, 2015. Collection method: clinical testing. Allele origin: unknown. Affected: yes.

Natera, Inc.
Classification: Pathogenic for Usher syndrome type 2A. Last evaluated: 2025-11-12. Review status: criteria provided, single submitter. Criteria: Natera Variant Classification Schema (03/2026). Collection method: clinical testing. Allele origin: germline.
Comment: The c.7184_7194del variant in USH2A is a frameshift variant predicted to shift the reading frame beginning at codon 2395 and leads to a stop codon 19 codons downstream. This variant is expected to result in nonsense mediated decay, truncation, or a dysfunctional protein product. This variant is rare in the general population with a frequency below the threshold expected for the associated phenotype(s). This variant has been observed in one or more individuals affected with the associated recessive disease, as either homozygous or compound heterozygous with a second variant (PMID: 26338283). Given the available evidence, this variant is classified as Pathogenic.

Myriad Genetics, Inc.
Classification: Pathogenic for USH2A-related disorder. Last evaluated: 2025-01-31. Review status: criteria provided, single submitter. Criteria: Myriad Autosomal Dominant, Autosomal Recessive and X-Linked Classification Criteria (2023). Collection method: clinical testing. Allele origin: unknown.
Comment: NM_206933.2(USH2A):c.7184_7194del11(L2395Hfs*19) is a frameshift variant classified as pathogenic in the context of USH2A-related disorders. L2395Hfs*19 has been observed in cases with relevant disease (PMID: 26338283, 29899460). Relevant functional assessments of this variant are not available in the literature. L2395Hfs*19 has not been observed in referenced population frequency databases. In summary, NM_206933.2(USH2A):c.7184_7194del11(L2395Hfs*19) is a frameshift variant in a gene where loss of function is a known mechanism of disease, is predicted to disrupt protein function, and has been observed more frequently in cases with the relevant disease than in healthy populations. Please note: this variant was assessed in the context of healthy population screening.

Labcorp Genetics (formerly Invitae), Labcorp
Classification: Pathogenic. Last evaluated: 2023-09-21. Review status: criteria provided, single submitter. Criteria: Invitae Variant Classification Sherloc (09022015). Collection method: clinical testing. Allele origin: germline.
Comment: This sequence change creates a premature translational stop signal (p.Leu2395Hisfs*19) in the USH2A gene. It is expected to result in an absent or disrupted protein product. Loss-of-function variants in USH2A are known to be pathogenic (PMID: 10729113, 10909849, 20507924, 25649381). This variant is not present in population databases (gnomAD no frequency). For these reasons, this variant has been classified as Pathogenic. ClinVar contains an entry for this variant (Variation ID: 1071743). This premature translational stop signal has been observed in individual(s) with clinical features of Usher syndrome and retinitis pigmentosa (PMID: 26338283, 29899460).

Blueprint Genetics
Classification: Pathogenic for USH2A-related disorders. Last evaluated: 2023-01-09. Review status: criteria provided, single submitter. Criteria: ACMG Guidelines, 2015. Collection method: clinical testing. Allele origin: germline. Affected: yes. Observed: 1 variant allele.

Deafness Molecular Diagnostic Center, Chinese PLA General Hospital
Classification: Likely pathogenic for Usher syndrome type 2A. Review status: no assertion criteria provided. Criteria: ACMG Guidelines, 2015. Collection method: case-control. Allele origin: maternal. Affected: yes. Not counted in ClinVar's aggregate classification.

Literature cited by the submitters: PubMed 26338283 (cited by 3 submitters); PubMed 29899460 (cited by Myriad Genetics, Inc. and Labcorp Genetics (formerly Invitae), Labcorp); PubMed 10729113 (cited by Labcorp Genetics (formerly Invitae), Labcorp); PubMed 10909849 (cited by Labcorp Genetics (formerly Invitae), Labcorp); PubMed 20507924 (cited by Labcorp Genetics (formerly Invitae), Labcorp); PubMed 25649381 (cited by Labcorp Genetics (formerly Invitae), Labcorp).

NM_206933.4(USH2A):c.7184_7194del (p.Leu2395fs)

Gene: USH2A (usherin; minus strand). Cytogenetic location: 1q41.
Variant type: Deletion.
Coding change: c.7184_7194del on transcript NM_206933.4 (MANE Select); coding-DNA positions 7184 to 7194, 11 bases deleted (TTTGGGTGCTC).
Protein change: p.Leu2395fs; shifts the reading frame from leucine 2395.
Molecular consequence: frameshift variant.
Genome position (GRCh38, 1-based): chr1:215,934,722-215,934,732, GAGCACCCAAA deleted on the plus strand (TTTGGGTGCTC on the coding strand, the reverse complement: USH2A is on the minus strand); deleting any 11 consecutive bases within chr1:215,934,722-215,934,733 gives the same sequence; the c. name uses the placement nearest the transcript's 3' end. VCF-style (leftmost placement, unchanged base first): chr1-215934721-TGAGCACCCAAA-T. GRCh37 (hg19) VCF-style: chr1-216108063-TGAGCACCCAAA-T.
Other names: c.7184_7194del (NM_206933.2); short protein forms L2395fs.
Identifiers: ClinVar variation 1071743 (VCV001071743.14), dbSNP rs2102499717, ClinGen allele CA2499214471.